The following is an entry in ClinVar:

NM_000135.4(FANCA):c.874C>G (p.His292Asp)

Gene: FANCA (FA complementation group A; minus strand). Cytogenetic location: 16q24.3.
Variant type: single nucleotide variant.
Coding change: c.874C>G on transcript NM_000135.4 (MANE Select); coding-DNA position 874, C replaced by G.
Protein change: p.His292Asp; replaces histidine 292 with aspartic acid.
Molecular consequence: missense variant.
Genome position (GRCh38, 1-based): chr16:89,799,185, G>C on the plus strand (C>G on the coding strand, the complement: FANCA is on the minus strand). VCF-style: chr16-89799185-G-C. GRCh37 (hg19) VCF-style: chr16-89865593-G-C.
Other names: c.874C>G (LRG_495t1, NM_000135.3); c.874C>G, p.His292Asp (NM_001018112.3, NM_001286167.3); c.778C>G, p.His260Asp (NM_001351830.2); short protein forms H292D, H260D.
Identifiers: ClinVar variation 456139 (VCV000456139.23), dbSNP rs200220791, ClinGen allele CA8252711.

ClinVar aggregate classification (germline): Conflicting classifications of pathogenicity. Review status: criteria provided, conflicting classifications (1 of 4 stars). 8 submissions from 8 submitters: Uncertain significance (6); Likely benign (1). 1 of the submissions does not count toward it. Last evaluated 2026-09-08.

Conditions:
FANCA-related disorder. Also called: FANCA-related condition.
Fanconi anemia (FA). Also called: Fanconi's anemia. Identifiers: Orphanet 84, MedGen C0015625, MeSH D005199, MONDO:0019391.
Fanconi anemia complementation group A (FANCA). Also called: Fanconi anemia, group A; FANCA-Related Fanconi Anemia. Identifiers: Orphanet 84, MedGen C3469521, MONDO:0009215, OMIM 227650.

Allele frequency attached by ClinVar (database versions not stated): ESP Exome Variant Server 0.00008; TOPMed 0.00010; gnomAD 0.00016 and 0.00017; ExAC 0.00018.
gnomAD v4.1: 664 of 1,614,064 alleles (0.041%); highest among the groups gnomAD compares: Non-Finnish European, 0.052%; 2 homozygotes.

Submissions (8):

PreventionGenetics, part of Exact Sciences
Classification: Uncertain significance for FANCA-related condition. Last evaluated: 2026-09-08. Review status: criteria provided, single submitter. Criteria: ACMG Guidelines, 2015. Collection method: clinical testing. Allele origin: germline.
Comment: The FANCA c.874C>G variant is predicted to result in the amino acid substitution p.His292Asp. To our knowledge, this variant has not been reported in the literature. This variant is reported in 0.044% of alleles in individuals of European (Finnish) descent in gnomAD. This variant has conflicting interpretations in ClinVar ranging from uncertain to likely benign (Variation ID: 456139). At this time, the clinical significance of this variant is uncertain due to the absence of conclusive functional and genetic evidence.

Labcorp Genetics (formerly Invitae), Labcorp
Classification: Likely benign for Fanconi anemia. Last evaluated: 2026-01-20. Review status: criteria provided, single submitter. Criteria: Invitae Variant Classification Sherloc (09022015). Collection method: clinical testing. Allele origin: germline.

Quest Diagnostics Nichols Institute San Juan Capistrano
Classification: Uncertain significance. Last evaluated: 2025-11-04. Review status: criteria provided, single submitter. Criteria: Quest Diagnostics criteria. Collection method: clinical testing. Allele origin: unknown.
Comment: The FANCA c.874C>G (p.His292Asp) variant has not been reported in individuals with FANCA-related conditions in the published literature. The frequency of this variant in the general population (Genome Aggregation Database) is uninformative in the assessment of its pathogenicity. Analysis of this variant using bioinformatics tools for the prediction of the effect of amino acid changes on protein structure and function yielded predictions that this variant is benign. Based on the available information, we are unable to determine the clinical significance of this variant.

Blueprint Genetics
Classification: Uncertain significance. Last evaluated: 2024-09-18. Review status: criteria provided, single submitter. Criteria: ACMG Guidelines, 2015. Collection method: clinical testing. Allele origin: germline.

Fulgent Genetics
Classification: Uncertain significance for Fanconi anemia complementation group A. Last evaluated: 2024-01-20. Review status: criteria provided, single submitter. Criteria: ACMG Guidelines, 2015. Collection method: clinical testing. Allele origin: germline.

GeneDx
Classification: Uncertain significance. Last evaluated: 2021-12-03. Review status: criteria provided, single submitter. Criteria: GeneDx Variant Classification Process June 2021. Collection method: clinical testing. Allele origin: germline. Affected: yes.
Comment: In silico analysis supports that this missense variant has a deleterious effect on protein structure/function; In-silico analysis is inconclusive as to whether the variant alters gene splicing. In the absence of RNA/functional studies, the actual effect of this sequence change is unknown.; Has not been previously published as pathogenic or benign to our knowledge

Illumina Laboratory Services, Illumina
Classification: Uncertain significance for Fanconi anemia complementation group A. Last evaluated: 2018-01-13. Review status: criteria provided, single submitter. Criteria: ICSL Variant Classification Criteria 13 December 2019. Collection method: clinical testing. Allele origin: germline.

Natera, Inc.
Classification: Uncertain significance for Fanconi anemia. Last evaluated: 2020-02-26. Review status: no assertion criteria provided. Collection method: clinical testing. Allele origin: germline. Not counted in ClinVar's aggregate classification.